The following is an entry in ClinVar:

ClinVar aggregate classification (germline): Benign (1 of 4 stars; one submission).

Allele frequency attached by ClinVar (database versions not stated): TOPMed 0.60029; 1000 Genomes Project 30x 0.62461; 1000 Genomes Project 0.62859.
gnomAD v4.1: 636,377 of 1,103,282 alleles (58%); highest among the groups gnomAD compares: Admixed American, 67%; 185,608 homozygotes.

Submission:

GeneDx
Classification: Benign. Last evaluated: 2018-06-14. Review status: criteria provided, single submitter. Criteria: GeneDx Variant Classification (06012015). Collection method: clinical testing. Allele origin: germline. Affected: yes.
Comment: This variant is considered likely benign or benign based on one or more of the following criteria: it is a conservative change, it occurs at a poorly conserved position in the protein, it is predicted to be benign by multiple in silico algorithms, and/or has population frequency not consistent with disease.

NM_182961.4(SYNE1):c.23145+147A>C

Gene: SYNE1 (spectrin repeat containing nuclear envelope protein 1; minus strand). Cytogenetic location: 6q25.2.
Variant type: single nucleotide variant.
Coding change: c.23145+147A>C on transcript NM_182961.4 (MANE Select); 147 bases into the intron after coding-DNA position 23145, A replaced by C.
Molecular consequence: intron variant.
Genome position (GRCh38, 1-based): chr6:152,201,677, T>G on the plus strand (A>C on the coding strand, the complement: SYNE1 is on the minus strand). VCF-style: chr6-152201677-T-G. GRCh37 (hg19) VCF-style: chr6-152522812-T-G.
Other names: c.22932+147A>C (NM_033071.5).
Identifiers: ClinVar variation 670211 (VCV000670211.1), dbSNP rs2673776, ClinGen allele CA15424236.